The following is an entry in ClinVar:

NM_001142864.4(PIEZO1):c.7316G>A (p.Gly2439Asp)

Gene: PIEZO1 (piezo type mechanosensitive ion channel component 1 (Er blood group); minus strand). Cytogenetic location: 16q24.3.
Variant type: single nucleotide variant.
Coding change: c.7316G>A on transcript NM_001142864.4 (MANE Select); coding-DNA position 7316, G replaced by A.
Protein change: p.Gly2439Asp; replaces glycine 2439 with aspartic acid.
Molecular consequence: missense variant.
Genome position (GRCh38, 1-based): chr16:88,715,933, C>T on the plus strand (G>A on the coding strand, the complement: PIEZO1 is on the minus strand). VCF-style: chr16-88715933-C-T. GRCh37 (hg19) VCF-style: chr16-88782341-C-T.
Other names: c.7316G>A (NM_001142864.3); short protein forms G2439D.
Identifiers: ClinVar variation 995671 (VCV000995671.11), dbSNP rs1353678309, ClinGen allele CA397071889.

ClinVar aggregate classification (germline): Conflicting classifications of pathogenicity. Review status: criteria provided, conflicting classifications (1 of 4 stars). 3 submissions from 3 submitters: Likely pathogenic (1); Uncertain significance (2). Last evaluated 2025-08-19.

Conditions:
PIEZO1-related disorder. Also called: PIEZO1-Related Disorders; PIEZO1-related condition.

Allele frequency attached by ClinVar (database versions not stated): gnomAD exomes below 0.00001 and 0.00001.
gnomAD v4.1: 5 of 1,549,130 alleles (0.00032%); highest among the groups gnomAD compares: Non-Finnish European, 0.00035%; no homozygotes.

Submissions (3):

PreventionGenetics, part of Exact Sciences
Classification: Likely pathogenic for PIEZO1-related condition. Last evaluated: 2025-08-19. Review status: criteria provided, single submitter. Criteria: ACMG Guidelines, 2015. Collection method: clinical testing. Allele origin: germline.
Comment: The PIEZO1 c.7316G>A variant is predicted to result in the amino acid substitution p.Gly2439Asp. This variant has been reported in multiple individuals with clinical features of autosomal recessive PIEZO1-related conditions (Mustacich et al. 2022. PubMed ID: 34656527). This variant is reported in 0.012% of alleles in individuals of Ashkenazi Jewish descent in gnomAD. This variant is interpreted as likely pathogenic.

Revvity Omics, Revvity
Classification: Uncertain significance. Last evaluated: 2022-09-17. Review status: criteria provided, single submitter. Criteria: ACMG Guidelines, 2015. Collection method: clinical testing. Allele origin: germline.

ARUP Laboratories, Molecular Genetics and Genomics, ARUP Laboratories
Classification: Uncertain significance. Last evaluated: 2020-04-15. Review status: criteria provided, single submitter. Criteria: ARUP Molecular Germline Variant Investigation Process. Collection method: clinical testing. Allele origin: germline.